The following is an entry in ClinVar:

NM_001161352.2(KCNMA1):c.469G>A (p.Gly157Ser)

Gene: KCNMA1 (potassium calcium-activated channel subfamily M alpha 1; minus strand). Cytogenetic location: 10q22.3.
Variant type: single nucleotide variant.
Coding change: c.469G>A on transcript NM_001161352.2 (MANE Select); coding-DNA position 469, G replaced by A.
Protein change: p.Gly157Ser; replaces glycine 157 with serine.
Molecular consequence: missense variant. On other transcripts: intron variant (1).
Genome position (GRCh38, 1-based): chr10:77,403,933, C>T on the plus strand (G>A on the coding strand, the complement: KCNMA1 is on the minus strand). VCF-style: chr10-77403933-C-T. GRCh37 (hg19) VCF-style: chr10-79163691-C-T.
Other names: c.469G>A, p.Gly157Ser (NM_001014797.3, NM_001161353.2, NM_001271519.2 and 7 more transcripts); c.379-152677G>A (NM_001271518.2); short protein forms G157S.
Identifiers: ClinVar variation 1387402 (VCV001387402.8), dbSNP rs767576877, ClinGen allele CA5568691.

ClinVar aggregate classification (germline): Uncertain significance (1 of 4 stars; one submission).

Conditions:
Generalized epilepsy-paroxysmal dyskinesia syndrome (PNKD3). Also called: Paroxysmal nonkinesigenic dyskinesia, 3, with or without generalized epilepsy; Generalized epilepsy and paroxysmal dyskinesia. Identifiers: Orphanet 79137, MedGen C5574945, MONDO:0012276, OMIM 609446.

Allele frequency attached by ClinVar (database versions not stated): gnomAD exomes below 0.00001 and 0.00001; TOPMed 0.00001; ExAC 0.00002; gnomAD 0.00002 and 0.00003.
gnomAD v4.1: 10 of 1,614,028 alleles (0.00062%); highest among the groups gnomAD compares: Non-Finnish European, 0.00051%; no homozygotes.

Submission:

Labcorp Genetics (formerly Invitae), Labcorp
Classification: Uncertain significance for Generalized epilepsy-paroxysmal dyskinesia syndrome. Last evaluated: 2025-11-30. Review status: criteria provided, single submitter. Criteria: Invitae Variant Classification Sherloc (09022015). Collection method: clinical testing. Allele origin: germline.
Comment: This sequence change replaces glycine, which is neutral and non-polar, with serine, which is neutral and polar, at codon 157 of the KCNMA1 protein (p.Gly157Ser). This variant is present in population databases (rs767576877, gnomAD 0.008%). This variant has not been reported in the literature in individuals affected with KCNMA1-related conditions. ClinVar contains an entry for this variant (Variation ID: 1387402). Invitae Evidence Modeling of protein sequence and biophysical properties (such as structural, functional, and spatial information, amino acid conservation, physicochemical variation, residue mobility, and thermodynamic stability) indicates that this missense variant is not expected to disrupt KCNMA1 protein function with a negative predictive value of 80%. In summary, the available evidence is currently insufficient to determine the role of this variant in disease. Therefore, it has been classified as a Variant of Uncertain Significance.